The following is an entry in ClinVar:

ClinVar aggregate classification (germline): Uncertain significance (1 of 4 stars; one submission).

Submission:

Mayo Clinic Laboratories, Mayo Clinic
Classification: Uncertain significance. Last evaluated: 2025-10-08. Review status: criteria provided, single submitter. Criteria: ACMG Guidelines, 2015. Collection method: clinical testing. Allele origin: germline. Observed: 1 variant allele.
Comment: PM2_supporting

NM_000212.3(ITGB3):c.1739C>A (p.Thr580Asn)

Gene: ITGB3 (integrin subunit beta 3; plus strand). Cytogenetic location: 17q21.32.
Variant type: single nucleotide variant.
Coding change: c.1739C>A on transcript NM_000212.3 (MANE Select); coding-DNA position 1739, C replaced by A.
Protein change: p.Thr580Asn; replaces threonine 580 with asparagine.
Molecular consequence: missense variant.
Genome position (GRCh38, 1-based): chr17:47,299,356, C>A. VCF-style: chr17-47299356-C-A. GRCh37 (hg19) VCF-style: chr17-45376722-C-A.
Other names: p.Thr580Asn; short protein forms T580N.
Identifiers: ClinVar variation 4542188 (VCV004542188.1).
Genomic context (GRCh38, chr17:47,299,356, plus strand): 5'-GTGTGTTTTCAGGCCATGGCCAGTGCAGCTGTGGGGACTGCCTGTGTGACTCCGACTGGA[C>A]CGGCTACTACTGCAACTGTACCACGCGTACTGACACCTGCATGTCCAGCAATGGGCTGCT-3'
Protein context (NP_000203.2, residues 570-590): CGDCLCDSDW[Thr580Asn]GYYCNCTTRT